The following is an entry in ClinVar:

NM_001364905.1(LRBA):c.1717C>A (p.Leu573Ile)

Gene: LRBA (LPS responsive beige-like anchor protein; minus strand). Cytogenetic location: 4q31.3.
Variant type: single nucleotide variant.
Coding change: c.1717C>A on transcript NM_001364905.1 (MANE Select); coding-DNA position 1717, C replaced by A.
Protein change: p.Leu573Ile; replaces leucine 573 with isoleucine.
Molecular consequence: missense variant.
Genome position (GRCh38, 1-based): chr4:150,905,876, G>T on the plus strand (C>A on the coding strand, the complement: LRBA is on the minus strand). VCF-style: chr4-150905876-G-T. GRCh37 (hg19) VCF-style: chr4-151827028-G-T.
Other names: c.1717C>A, p.Leu573Ile (NM_001199282.3, NM_001367550.1, NM_006726.5); short protein forms L573I.
Identifiers: ClinVar variation 1017776 (VCV001017776.7), dbSNP rs1234177181, ClinGen allele CA358431409.

ClinVar aggregate classification (germline): Uncertain significance. Review status: criteria provided, multiple submitters, no conflicts (2 of 4 stars). 2 submissions from 2 submitters: Uncertain significance (2). Last evaluated 2025-11-07.

Conditions:
Inborn genetic diseases. Identifiers: MedGen C0950123, MeSH D030342.
Combined immunodeficiency due to LRBA deficiency. Also called: Common variable immunodeficiency 8, with autoimmunity. Identifiers: Orphanet 445018, MedGen C3553512, MONDO:0013863, OMIM 614700.

Allele frequency attached by ClinVar (database versions not stated): gnomAD 0.00001; TOPMed 0.00001.
gnomAD v4.1: 7 of 1,613,508 alleles (0.00043%); highest among the groups gnomAD compares: Non-Finnish European, 0.00059%; no homozygotes.

Submissions (2):

Ambry Genetics
Classification: Uncertain significance for Inborn genetic diseases. Last evaluated: 2025-11-07. Review status: criteria provided, single submitter. Criteria: Ambry Variant Classification Scheme 2023. Collection method: clinical testing. Allele origin: germline.

Labcorp Genetics (formerly Invitae), Labcorp
Classification: Uncertain significance for Combined immunodeficiency due to LRBA deficiency. Last evaluated: 2025-06-13. Review status: criteria provided, single submitter. Criteria: Invitae Variant Classification Sherloc (09022015). Collection method: clinical testing. Allele origin: germline.
Comment: This sequence change replaces leucine, which is neutral and non-polar, with isoleucine, which is neutral and non-polar, at codon 573 of the LRBA protein (p.Leu573Ile). This variant is present in population databases (no rsID available, gnomAD 0.007%). This variant has not been reported in the literature in individuals affected with LRBA-related conditions. ClinVar contains an entry for this variant (Variation ID: 1017776). Invitae Evidence Modeling of protein sequence and biophysical properties (such as structural, functional, and spatial information, amino acid conservation, physicochemical variation, residue mobility, and thermodynamic stability) indicates that this missense variant is expected to disrupt LRBA protein function with a positive predictive value of 80%. In summary, the available evidence is currently insufficient to determine the role of this variant in disease. Therefore, it has been classified as a Variant of Uncertain Significance.